The following is an entry in ClinVar:

NM_004608.4(TBX6):c.418C>T (p.Leu140Phe)

Gene: TBX6 (T-box transcription factor 6; minus strand). Cytogenetic location: 16p11.2.
Variant type: single nucleotide variant.
Coding change: c.418C>T on transcript NM_004608.4 (MANE Select); coding-DNA position 418, C replaced by T.
Protein change: p.Leu140Phe; replaces leucine 140 with phenylalanine.
Molecular consequence: missense variant.
Genome position (GRCh38, 1-based): chr16:30,089,146, G>A on the plus strand (C>T on the coding strand, the complement: TBX6 is on the minus strand). VCF-style: chr16-30089146-G-A. GRCh37 (hg19) VCF-style: chr16-30100467-G-A.
Other names: short protein forms L140F.
Identifiers: ClinVar variation 694414 (VCV000694414.1), dbSNP rs1596853085, ClinGen allele CA395520281.

ClinVar aggregate classification (germline): Pathogenic (1 of 4 stars; one submission).

Conditions:
Scoliosis. Identifiers: MedGen C0036439, MONDO:0005392, HP:0002650.

Submission:

Beijing Key Laboratory for Genetic Research of Skeletal Deformity, Peking Union Medical College Hospital
Classification: Pathogenic for scoliosis. Last evaluated: 2019-08-01. Review status: criteria provided, single submitter. Criteria: ACMG Guidelines, 2015. Collection method: research. Allele origin: germline. Affected: yes. Observed: 1 variant allele.
Comment: This biallelic variant contributes to congenital scoliosis development

Literature cited by the submitters: PubMed 25564734.